The following is an entry in ClinVar:

ClinVar aggregate classification (germline): Uncertain significance. Review status: criteria provided, multiple submitters, no conflicts (2 of 4 stars). 2 submissions from 2 submitters: Uncertain significance (2). Last evaluated 2021-04-11.

Conditions:
Hereditary cancer-predisposing syndrome. Also called: Hereditary Cancer Syndrome; Neoplastic Syndromes, Hereditary; Hereditary neoplastic syndrome; Tumor predisposition. Identifiers: Orphanet 140162, MedGen C0027672, MeSH D009386, MONDO:0015356.
Ataxia-telangiectasia syndrome (AT). Also called: Cerebello-oculocutaneous telangiectasia; Immunodeficiency with ataxia telangiectasia; Ataxia-telangiectasia, complementation group E; Ataxia-telangiectasia, complementation group D; AT, COMPLEMENTATION GROUP C; ATAXIA-TELANGIECTASIA, COMPLEMENTATION GROUP A. Identifiers: Orphanet 100, MedGen C0004135, MONDO:0008840, OMIM 208900.

Submissions (2):

Labcorp Genetics (formerly Invitae), Labcorp
Classification: Uncertain significance for Ataxia-telangiectasia syndrome. Last evaluated: 2021-04-11. Review status: criteria provided, single submitter. Criteria: Invitae Variant Classification Sherloc (09022015). Collection method: clinical testing. Allele origin: germline.
Comment: This sequence change replaces valine with alanine at codon 395 of the ATM protein (p.Val395Ala). The valine residue is moderately conserved and there is a small physicochemical difference between valine and alanine. In summary, the available evidence is currently insufficient to determine the role of this variant in disease. Therefore, it has been classified as a Variant of Uncertain Significance. Advanced modeling of protein sequence and biophysical properties (such as structural, functional, and spatial information, amino acid conservation, physicochemical variation, residue mobility, and thermodynamic stability) performed at Invitae indicates that this missense variant is not expected to disrupt ATM protein function. This variant has not been reported in the literature in individuals with ATM-related conditions. ClinVar contains an entry for this variant (Variation ID: 818527). This variant is not present in population databases (ExAC no frequency).

Ambry Genetics
Classification: Uncertain significance for Hereditary cancer-predisposing syndrome. Last evaluated: 2019-05-06. Review status: criteria provided, single submitter. Criteria: Ambry Variant Classification Scheme 2023. Collection method: clinical testing. Allele origin: germline.
Comment: The p.V395A variant (also known as c.1184T>C), located in coding exon 8 of the ATM gene, results from a T to C substitution at nucleotide position 1184. The valine at codon 395 is replaced by alanine, an amino acid with similar properties. This amino acid position is highly conserved in available vertebrate species. In addition, the in silico prediction for this alteration is inconclusive. Since supporting evidence is limited at this time, the clinical significance of this alteration remains unclear.

NM_000051.4(ATM):c.1184T>C (p.Val395Ala)

Gene: ATM (ATM serine/threonine kinase; plus strand). Cytogenetic location: 11q22.3.
Variant type: single nucleotide variant.
Coding change: c.1184T>C on transcript NM_000051.4 (MANE Select); coding-DNA position 1184, T replaced by C.
Protein change: p.Val395Ala; replaces valine 395 with alanine.
Molecular consequence: missense variant.
Genome position (GRCh38, 1-based): chr11:108,249,051, T>C. VCF-style: chr11-108249051-T-C. GRCh37 (hg19) VCF-style: chr11-108119778-T-C.
Other names: c.1184T>C, p.Val395Ala (NM_001351834.2); short protein forms V395A.
Identifiers: ClinVar variation 818527 (VCV000818527.13), dbSNP rs1591517993, ClinGen allele CA382532556.